The following is an entry in ClinVar:

NM_004836.7(EIF2AK3):c.1570_1573del (p.Lys523_Glu524insTer)

Gene: EIF2AK3 (eukaryotic translation initiation factor 2 alpha kinase 3; minus strand). Cytogenetic location: 2p11.2.
Variant type: Microsatellite.
Coding change: c.1570_1573del on transcript NM_004836.7 (MANE Select); coding-DNA positions 1570 to 1573, 4 bases deleted (GAAA; older notation c.1570_1573delGAAA).
Protein change: p.Lys523_Glu524insTer.
Molecular consequence: nonsense.
Genome position (GRCh38, 1-based): chr2:88,585,918-88,585,921, TTTC deleted on the plus strand (GAAA on the coding strand, the reverse complement: EIF2AK3 is on the minus strand); deleting any 4 consecutive bases within chr2:88,585,918-88,585,925 gives the same sequence; the c. name uses the placement nearest the transcript's 3' end. VCF-style (leftmost placement, unchanged base first): chr2-88585917-ATTTC-A. GRCh37 (hg19) VCF-style: chr2-88885435-ATTTC-A.
Other names: c.1117_1120del, p.Lys372_Glu373insTer (NM_001313915.2); c.1570_1573del (NM_004836.5).
Identifiers: ClinVar variation 5877 (VCV000005877.3), dbSNP rs1558652941, ClinGen allele CA427173982.
Genomic context (GRCh38, chr2:88,585,917, plus strand): 5'-TGGAAAAGCCTGCGCACAATAAACGTTGTTGCTATGATACAAAACAAAATCGTTGCAACT[ATTTC>A]TTTCCACCAGTGTAAAAGAAGAACAGGATCCTTTTTGCGGATATTCTTGTTGTAATGTGG-3'

ClinVar aggregate classification (germline): Pathogenic/Likely pathogenic. Review status: criteria provided, multiple submitters, no conflicts (2 of 4 stars). 3 submissions from 3 submitters: Pathogenic (1); Likely pathogenic (1). 1 of the submissions does not count toward it. Last evaluated 2024-10-04.

Conditions:
Wolcott-Rallison dysplasia. Also called: MED-IDDM SYNDROME; Wolcott-Rallison syndrome. Identifiers: Orphanet 1667, MedGen C0432217, MONDO:0009192, OMIM 226980.

Submissions (3):

Dubai Health Genomic Medicine Center, Dubai Health
Classification: Likely pathogenic for Wolcott-Rallison syndrome. Last evaluated: 2024-10-04. Review status: criteria provided, single submitter. Criteria: ACMG Guidelines, 2015. Collection method: research. Allele origin: germline. Affected: yes.
Comment: PVS1,PM2

GeneDx
Classification: Pathogenic. Last evaluated: 2024-07-10. Review status: criteria provided, single submitter. Criteria: GeneDx Variant Classification Process June 2021. Collection method: clinical testing. Allele origin: germline. Affected: yes.
Comment: Nonsense variant predicted to result in protein truncation or nonsense mediated decay in a gene for which loss of function is a known mechanism of disease; Not observed at significant frequency in large population cohorts (gnomAD); This variant is associated with the following publications: (PMID: 38970407, 12960215, 18704764, 30234637, 31441606, 26860746)

OMIM
Classification: Pathogenic for WOLCOTT-RALLISON SYNDROME. Last evaluated: 2003-09-01. Review status: no assertion criteria provided. Collection method: literature only. Allele origin: germline. Not counted in ClinVar's aggregate classification.

Literature cited by the submitters: PubMed 12960215 (cited by OMIM).